The following is an entry in ClinVar:

ClinVar aggregate classification (germline): Benign (1 of 4 stars; one submission).

Conditions:
Ulnar-mammary syndrome (UMS). Also called: SCHINZEL SYNDROME; Ulnar-mammary syndrome of Pallister; PALLISTER ULNAR-MAMMARY SYNDROME. Identifiers: Orphanet 3138, MedGen C1866994, MONDO:0008411, OMIM 181450.

Allele frequency attached by ClinVar (database versions not stated): TOPMed 0.00201; gnomAD 0.00262 and 0.00342; gnomAD exomes 0.00946; 1000 Genomes Project 30x 0.01031; 1000 Genomes Project 0.01098.
gnomAD v4.1: 1,163 of 226,114 alleles (0.51%); highest among the groups gnomAD compares: East Asian, 5.4%; 31 homozygotes.

Submission:

Illumina Laboratory Services, Illumina
Classification: Benign for Ulnar-mammary syndrome. Last evaluated: 2018-01-13. Review status: criteria provided, single submitter. Criteria: ICSL Variant Classification Criteria 13 December 2019. Collection method: clinical testing. Allele origin: germline.
Comment: This variant was observed in the ICSL laboratory as part of a predisposition screen in an ostensibly healthy population. It had not been previously curated by ICSL or reported in the Human Gene Mutation Database (HGMD: prior to June 1st, 2018), and was therefore a candidate for classification through an automated scoring system. Utilizing variant allele frequency, disease prevalence and penetrance estimates, and inheritance mode, an automated score was calculated to assess if this variant is too frequent to cause the disease. Based on the score and internal cut-off values, a variant classified as benign is not then subjected to further curation. The score for this variant resulted in a classification of benign for this disease.

NM_005996.4(TBX3):c.*1312T>C

Gene: TBX3 (T-box transcription factor 3; minus strand). Cytogenetic location: 12q24.21.
Variant type: single nucleotide variant.
Coding change: c.*1312T>C on transcript NM_005996.4 (MANE Select); 1312 bases downstream of the stop codon, T replaced by C.
Molecular consequence: 3 prime UTR variant.
Genome position (GRCh38, 1-based): chr12:114,670,529, A>G on the plus strand (T>C on the coding strand, the complement: TBX3 is on the minus strand). VCF-style: chr12-114670529-A-G. GRCh37 (hg19) VCF-style: chr12-115108334-A-G.
Other names: c.*1312T>C (NM_016569.4).
Identifiers: ClinVar variation 307328 (VCV000307328.5), dbSNP rs77412687, ClinGen allele CA10640336.
Genomic context (GRCh38, chr12:114,670,529, plus strand): 5'-TTCCACTTCGTTTTGAGGAAATCAGAGACTAGCAAATACAAATAACAAAAGAAAAATTAA[A>G]AAGTCAAACCGCAGCCTCTGCCCTCCTCCCTCCCCACAGCAATCTCAGTTATATTTTAAG-3'